The following is an entry in ClinVar:

NM_001852.4(COL9A2):c.1639G>A (p.Glu547Lys)

Gene: COL9A2 (collagen type IX alpha 2 chain; minus strand). Cytogenetic location: 1p34.2.
Variant type: single nucleotide variant.
Coding change: c.1639G>A on transcript NM_001852.4 (MANE Select); coding-DNA position 1639, G replaced by A.
Protein change: p.Glu547Lys; replaces glutamic acid 547 with lysine.
Molecular consequence: missense variant.
Genome position (GRCh38, 1-based): chr1:40,302,774, C>T on the plus strand (G>A on the coding strand, the complement: COL9A2 is on the minus strand). VCF-style: chr1-40302774-C-T. GRCh37 (hg19) VCF-style: chr1-40768446-C-T.
Other names: short protein forms E547K.
Identifiers: ClinVar variation 806111 (VCV000806111.49), dbSNP rs367889792, ClinGen allele CA791358.

ClinVar aggregate classification (germline): Uncertain significance. Review status: criteria provided, multiple submitters, no conflicts (2 of 4 stars). 3 submissions from 3 submitters: Uncertain significance (3). Last evaluated 2025-08-02.

Allele frequency attached by ClinVar (database versions not stated): gnomAD 0.00001; TOPMed 0.00001; gnomAD exomes 0.00002 and 0.00003; ESP Exome Variant Server 0.00008; ExAC 0.00014.

Submissions (3):

Labcorp Genetics (formerly Invitae), Labcorp
Classification: Uncertain significance. Last evaluated: 2025-08-02. Review status: criteria provided, single submitter. Criteria: Invitae Variant Classification Sherloc (09022015). Collection method: clinical testing. Allele origin: germline.
Comment: This sequence change replaces glutamic acid, which is acidic and polar, with lysine, which is basic and polar, at codon 547 of the COL9A2 protein (p.Glu547Lys). This variant is present in population databases (rs367889792, gnomAD 0.01%). This variant has not been reported in the literature in individuals affected with COL9A2-related conditions. ClinVar contains an entry for this variant (Variation ID: 806111). Invitae Evidence Modeling of protein sequence and biophysical properties (such as structural, functional, and spatial information, amino acid conservation, physicochemical variation, residue mobility, and thermodynamic stability) indicates that this missense variant is not expected to disrupt COL9A2 protein function with a negative predictive value of 95%. In summary, the available evidence is currently insufficient to determine the role of this variant in disease. Therefore, it has been classified as a Variant of Uncertain Significance.

Blueprint Genetics
Classification: Uncertain significance. Last evaluated: 2022-10-26. Review status: criteria provided, single submitter. Criteria: ACMG Guidelines, 2015. Collection method: clinical testing. Allele origin: germline.

CeGaT Center for Human Genetics Tuebingen
Classification: Uncertain significance. Last evaluated: 2018-08-01. Review status: criteria provided, single submitter. Criteria: CeGaT Center For Human Genetics Tuebingen Variant Classification Criteria Version 2. Collection method: clinical testing. Allele origin: germline. Affected: yes. Observed: 1 variant allele.